The following is an entry in ClinVar:

NM_016247.4(IMPG2):c.2458C>A (p.Pro820Thr)

Gene: IMPG2 (interphotoreceptor matrix proteoglycan 2; minus strand). Cytogenetic location: 3q12.3.
Variant type: single nucleotide variant.
Coding change: c.2458C>A on transcript NM_016247.4 (MANE Select); coding-DNA position 2458, C replaced by A.
Protein change: p.Pro820Thr; replaces proline 820 with threonine.
Molecular consequence: missense variant.
Genome position (GRCh38, 1-based): chr3:101,243,873, G>T on the plus strand (C>A on the coding strand, the complement: IMPG2 is on the minus strand). VCF-style: chr3-101243873-G-T. GRCh37 (hg19) VCF-style: chr3-100962717-G-T.
Other names: short protein forms P820T.
Identifiers: ClinVar variation 970556 (VCV000970556.9), dbSNP rs773849682, ClinGen allele CA2518972.

ClinVar aggregate classification (germline): Uncertain significance (1 of 4 stars; one submission).

Allele frequency attached by ClinVar (database versions not stated): ExAC 0.00001.
gnomAD v4.1: 2 of 1,614,148 alleles (0.00012%); highest among the groups gnomAD compares: South Asian, 0.0022%; no homozygotes.

Submission:

Labcorp Genetics (formerly Invitae), Labcorp
Classification: Uncertain significance. Last evaluated: 2022-01-13. Review status: criteria provided, single submitter. Criteria: Invitae Variant Classification Sherloc (09022015). Collection method: clinical testing. Allele origin: germline.
Comment: In summary, the available evidence is currently insufficient to determine the role of this variant in disease. Therefore, it has been classified as a Variant of Uncertain Significance. Algorithms developed to predict the effect of missense changes on protein structure and function (SIFT, PolyPhen-2, Align-GVGD) all suggest that this variant is likely to be tolerated. ClinVar contains an entry for this variant (Variation ID: 970556). This variant has not been reported in the literature in individuals affected with IMPG2-related conditions. This variant is present in population databases (rs773849682, gnomAD 0.003%). This sequence change replaces proline, which is neutral and non-polar, with threonine, which is neutral and polar, at codon 820 of the IMPG2 protein (p.Pro820Thr).